The following is an entry in ClinVar:

NM_002778.4(PSAP):c.1105C>T (p.Leu369=)

Gene: PSAP (prosaposin; minus strand). Cytogenetic location: 10q22.1.
Variant type: single nucleotide variant.
Coding change: c.1105C>T on transcript NM_002778.4 (MANE Select); coding-DNA position 1105, C replaced by T.
Protein change: p.Leu369=; no amino-acid change (leucine 369 retained).
Molecular consequence: synonymous variant.
Genome position (GRCh38, 1-based): chr10:71,819,801, G>A on the plus strand (C>T on the coding strand, the complement: PSAP is on the minus strand). VCF-style: chr10-71819801-G-A. GRCh37 (hg19) VCF-style: chr10-73579558-G-A.
Other names: c.1114C>T, p.Leu372= (NM_001042465.3); c.1111C>T, p.Leu371= (NM_001042466.3).
Identifiers: ClinVar variation 2672400 (VCV002672400.23), dbSNP rs2494497956, ClinGen allele CA470283272.

ClinVar aggregate classification (germline): Likely benign (1 of 4 stars; one submission).

Allele frequency attached by ClinVar (database versions not stated): gnomAD exomes below 0.00001.
gnomAD v4.1: 1 of 1,613,918 alleles (0.000062%); highest among the groups gnomAD compares: Non-Finnish European, 0.000085%; no homozygotes.

Submission:

CeGaT Center for Human Genetics Tuebingen
Classification: Likely benign. Last evaluated: 2023-11-01. Review status: criteria provided, single submitter. Criteria: CeGaT Center For Human Genetics Tuebingen Variant Classification Criteria Version 2. Collection method: clinical testing. Allele origin: germline. Affected: yes. Observed: 1 variant allele.
Comment: PSAP: PM2:Supporting, BP4, BP7